The following is an entry in ClinVar:

ClinVar aggregate classification (germline): Likely benign (1 of 4 stars; one submission).

Allele frequency attached by ClinVar (database versions not stated): gnomAD exomes below 0.00001; ESP Exome Variant Server 0.00008; TOPMed below 0.00001.
gnomAD v4.1: 6 of 1,593,208 alleles (0.00038%); highest among the groups gnomAD compares: Non-Finnish European, 0.00052%; no homozygotes.

Submission:

GeneDx
Classification: Likely benign. Last evaluated: 2016-02-25. Review status: criteria provided, single submitter. Criteria: GeneDx Variant Classification (06012015). Collection method: clinical testing. Allele origin: germline. Affected: yes.
Comment: This variant is considered likely benign or benign based on one or more of the following criteria: it is a conservative change, it occurs at a poorly conserved position in the protein, it is predicted to be benign by multiple in silico algorithms, and/or has population frequency not consistent with disease.

NM_018901.4(PCDHA10):c.897A>T (p.Gly299=)

Genes: PCDHA1 (protocadherin alpha 1; plus strand), PCDHA10 (protocadherin alpha 10; plus strand), PCDHA2 (protocadherin alpha 2; plus strand), PCDHA3 (protocadherin alpha 3; plus strand), PCDHA4 (protocadherin alpha 4; plus strand) and 6 more. Cytogenetic location: 5q31.3.
Variant type: single nucleotide variant.
Coding change: c.897A>T on transcript NM_018901.4 (MANE Select); coding-DNA position 897, A replaced by T.
Protein change: p.Gly299=; no amino-acid change (glycine 299 retained).
Molecular consequence: synonymous variant. On other transcripts: intron variant (11).
Genome position (GRCh38, 1-based): chr5:140,856,945, A>T. VCF-style: chr5-140856945-A-T. GRCh37 (hg19) VCF-style: chr5-140236530-A-T.
Other names: c.897A>T, p.Gly299= (NM_031859.3, NM_031860.3); c.2394+68261A>T (NM_018900.4); c.1602+69053A>T (NM_031411.3); c.2388+59593A>T (NM_018905.3); c.2394+53354A>T (NM_018906.3); c.2385+47373A>T (NM_018907.4); c.2352+32818A>T (NM_018908.3); c.2394+26460A>T (NM_018909.4); and 4 more.
Identifiers: ClinVar variation 384336 (VCV000384336.1), dbSNP rs139390480, ClinGen allele CA16604867.